The following is an entry in ClinVar:

NM_003238.6(TGFB2):c.917C>T (p.Ala306Val)

Gene: TGFB2 (transforming growth factor beta 2; plus strand). Cytogenetic location: 1q41.
Variant type: single nucleotide variant.
Coding change: c.917C>T on transcript NM_003238.6 (MANE Select); coding-DNA position 917, C replaced by T.
Protein change: p.Ala306Val; replaces alanine 306 with valine.
Molecular consequence: missense variant. On other transcripts: non-coding transcript variant (2).
Genome position (GRCh38, 1-based): chr1:218,436,132, C>T. VCF-style: chr1-218436132-C-T. GRCh37 (hg19) VCF-style: chr1-218609474-C-T.
Other names: c.1001C>T, p.Ala334Val (NM_001135599.4); short protein forms A306V, A334V.
Identifiers: ClinVar variation 1766066 (VCV001766066.6), dbSNP rs989462091, ClinGen allele CA37621003.

ClinVar aggregate classification (germline): Uncertain significance. Review status: criteria provided, multiple submitters, no conflicts (2 of 4 stars). 3 submissions from 3 submitters: Uncertain significance (3). Last evaluated 2025-07-18.

Conditions:
Familial thoracic aortic aneurysm and aortic dissection (TAAD). Also called: Thoracic aortic aneurysms and dissections. Identifiers: Orphanet 91387, MedGen C4707243, MONDO:0019625.
Loeys-Dietz syndrome 4 (LDS4). Also called: ANEURYSM, AORTIC AND CEREBRAL, WITH ARTERIAL TORTUOSITY AND SKELETAL MANIFESTATIONS; TGFB2-Related Loeys-Dietz Syndrome. Identifiers: MedGen C3553762, MONDO:0013897, OMIM 614816.

gnomAD v4.1: 19 of 1,609,182 alleles (0.0012%); highest among the groups gnomAD compares: Non-Finnish European, 0.0014%; no homozygotes.

Submissions (3):

Labcorp Genetics (formerly Invitae), Labcorp
Classification: Uncertain significance for Loeys-Dietz syndrome 4. Last evaluated: 2025-07-18. Review status: criteria provided, single submitter. Criteria: Invitae Variant Classification Sherloc (09022015). Collection method: clinical testing. Allele origin: germline.
Comment: This sequence change replaces alanine, which is neutral and non-polar, with valine, which is neutral and non-polar, at codon 306 of the TGFB2 protein (p.Ala306Val). This variant is present in population databases (no rsID available, gnomAD 0.002%). This variant has not been reported in the literature in individuals affected with TGFB2-related conditions. ClinVar contains an entry for this variant (Variation ID: 1766066). Invitae Evidence Modeling of protein sequence and biophysical properties (such as structural, functional, and spatial information, amino acid conservation, physicochemical variation, residue mobility, and thermodynamic stability) indicates that this missense variant is not expected to disrupt TGFB2 protein function with a negative predictive value of 80%. In summary, the available evidence is currently insufficient to determine the role of this variant in disease. Therefore, it has been classified as a Variant of Uncertain Significance.

Ambry Genetics
Classification: Uncertain significance for Familial thoracic aortic aneurysm and aortic dissection. Last evaluated: 2024-02-23. Review status: criteria provided, single submitter. Criteria: Ambry Variant Classification Scheme 2023. Collection method: clinical testing. Allele origin: germline.
Comment: The p.A306V variant (also known as c.917C>T), located in coding exon 5 of the TGFB2 gene, results from a C to T substitution at nucleotide position 917. The alanine at codon 306 is replaced by valine, an amino acid with similar properties. This amino acid position is well conserved in available vertebrate species. In addition, this alteration is predicted to be tolerated by in silico analysis. Based on the available evidence, the clinical significance of this alteration remains unclear.

Women's Health and Genetics/Laboratory Corporation of America, LabCorp
Classification: Uncertain significance. Last evaluated: 2023-11-06. Review status: criteria provided, single submitter. Criteria: LabCorp Variant Classification Summary - May 2015. Collection method: clinical testing. Allele origin: germline.
Comment: Variant summary: TGFB2 c.917C>T (p.Ala306Val) results in a non-conservative amino acid change located in the transforming growth factor-beta, C-terminal domain (IPR001839) of the encoded protein sequence. Three of five in-silico tools predict a benign effect of the variant on protein function. The variant allele was found at a frequency of 8.1e-06 in 246088 control chromosomes (gnomAD). The available data on variant occurrences in the general population are insufficient to allow any conclusion about variant significance. To our knowledge, no occurrence of c.917C>T in individuals affected with Aortopathy or other TGFB2-related disorders and no experimental evidence demonstrating its impact on protein function have been reported. One submitter has cited a clinical-significance assessment for this variant to ClinVar after 2014 and has classified the variant as uncertain significance. Based on the evidence outlined above, the variant was classified as uncertain significance.